The following is an entry in ClinVar:

ClinVar aggregate classification (germline): Likely benign. Review status: criteria provided, multiple submitters, no conflicts (2 of 4 stars). 3 submissions from 3 submitters: Likely benign (3). Last evaluated 2025-11-27.

Conditions:
Cone-rod dystrophy 6 (CORD6). Also called: Cone dystrophy progressive; RETINAL CONE DYSTROPHY 2. Identifiers: Orphanet 1872, MedGen C1866293, MONDO:0011143, OMIM 601777.
Leber congenital amaurosis 1 (LCA1). Also called: Congenital absence of the rods and cones; Leber's congenital tapetoretinal degeneration; Leber's congenital tapetoretinal dysplasia; AMAUROSIS CONGENITA OF LEBER I; RETINAL BLINDNESS, CONGENITAL. Identifiers: Orphanet 65, MedGen C2931258, MONDO:0008764, OMIM 204000.

Allele frequency attached by ClinVar (database versions not stated): gnomAD 0.00004 and 0.00005; TOPMed 0.00006; gnomAD exomes 0.00015; ExAC 0.00052.
gnomAD v4.1: 134 of 1,580,194 alleles (0.0085%); highest among the groups gnomAD compares: Middle Eastern, 0.12%; no homozygotes.

Submissions (3):

Labcorp Genetics (formerly Invitae), Labcorp
Classification: Likely benign for Leber congenital amaurosis 1; Cone-rod dystrophy 6. Last evaluated: 2025-11-27. Review status: criteria provided, single submitter. Criteria: Invitae Variant Classification Sherloc (09022015). Collection method: clinical testing. Allele origin: germline.

Blueprint Genetics
Classification: Likely benign. Last evaluated: 2024-09-02. Review status: criteria provided, single submitter. Criteria: ACMG Guidelines, 2015. Collection method: clinical testing. Allele origin: germline.

CeGaT Center for Human Genetics Tuebingen
Classification: Likely benign. Last evaluated: 2022-12-01. Review status: criteria provided, single submitter. Criteria: CeGaT Center For Human Genetics Tuebingen Variant Classification Criteria Version 2. Collection method: clinical testing. Allele origin: germline. Affected: yes. Observed: 1 variant allele.
Comment: GUCY2D: BP4, BP7

NM_000180.4(GUCY2D):c.3282G>A (p.Leu1094=)

Gene: GUCY2D (guanylate cyclase 2D, retinal; plus strand). Cytogenetic location: 17p13.1.
Variant type: single nucleotide variant.
Coding change: c.3282G>A on transcript NM_000180.4 (MANE Select); coding-DNA position 3282, G replaced by A.
Protein change: p.Leu1094=; no amino-acid change (leucine 1094 retained).
Molecular consequence: synonymous variant.
Genome position (GRCh38, 1-based): chr17:8,016,500, G>A. VCF-style: chr17-8016500-G-A. GRCh37 (hg19) VCF-style: chr17-7919818-G-A.
Identifiers: ClinVar variation 1122926 (VCV001122926.33), dbSNP rs281865413, ClinGen allele CA8366379.